The following is an entry in ClinVar:

ClinVar aggregate classification (germline): Conflicting classifications of pathogenicity. Review status: criteria provided, conflicting classifications (1 of 4 stars). 5 submissions from 5 submitters: Uncertain significance (1); Likely benign (4). Last evaluated 2025-11-25.

Conditions:
Carney complex, type 1 (CNC1). Also called: CARNEY MYXOMA-ENDOCRINE COMPLEX; CARNEY COMPLEX, TYPE I. Identifiers: Orphanet 1359, MedGen C2607929, MONDO:0008057, OMIM 160980.
Hereditary cancer-predisposing syndrome. Also called: Hereditary neoplastic syndrome; Neoplastic Syndromes, Hereditary; Hereditary Cancer Syndrome; Tumor predisposition. Identifiers: Orphanet 140162, MedGen C0027672, MeSH D009386, MONDO:0015356.

Allele frequency attached by ClinVar (database versions not stated): ExAC 0.00001; gnomAD 0.00003; TOPMed 0.00003.
gnomAD v4.1: 22 of 1,613,890 alleles (0.0014%); highest among the groups gnomAD compares: East Asian, 0.011%; no homozygotes.

Submissions (5):

Labcorp Genetics (formerly Invitae), Labcorp
Classification: Likely benign for Carney complex, type 1. Last evaluated: 2025-11-25. Review status: criteria provided, single submitter. Criteria: Invitae Variant Classification Sherloc (09022015). Collection method: clinical testing. Allele origin: germline.

GeneDx
Classification: Uncertain significance. Last evaluated: 2023-11-13. Review status: criteria provided, single submitter. Criteria: GeneDx Variant Classification Process June 2021. Collection method: clinical testing. Allele origin: germline. Affected: yes.
Comment: Has not been previously published as pathogenic or benign to our knowledge; In silico analysis suggests this variant may impact gene splicing. In the absence of RNA/functional studies, the actual effect of this sequence change is unknown.

Blueprint Genetics
Classification: Likely benign. Last evaluated: 2023-11-08. Review status: criteria provided, single submitter. Criteria: ACMG Guidelines, 2015. Collection method: clinical testing. Allele origin: germline.

Women's Health and Genetics/Laboratory Corporation of America, LabCorp
Classification: Likely benign. Last evaluated: 2019-08-29. Review status: criteria provided, single submitter. Criteria: LabCorp Variant Classification Summary - May 2015. Collection method: clinical testing. Allele origin: germline.

Ambry Genetics
Classification: Likely benign for Hereditary cancer-predisposing syndrome. Last evaluated: 2019-01-10. Review status: criteria provided, single submitter. Criteria: Ambry Variant Classification Scheme 2023. Collection method: clinical testing. Allele origin: germline.

NM_002734.5(PRKAR1A):c.477C>T (p.Ile159=)

Gene: PRKAR1A (protein kinase cAMP-dependent type I regulatory subunit alpha; plus strand). Cytogenetic location: 17q24.2.
Variant type: single nucleotide variant.
Coding change: c.477C>T on transcript NM_002734.5 (MANE Select); coding-DNA position 477, C replaced by T.
Protein change: p.Ile159=; no amino-acid change (isoleucine 159 retained).
Molecular consequence: synonymous variant.
Genome position (GRCh38, 1-based): chr17:68,524,052, C>T. VCF-style: chr17-68524052-C-T. GRCh37 (hg19) VCF-style: chr17-66520193-C-T.
Other names: c.477C>T, p.Ile159= (NM_001276289.2, NM_001276290.1, NM_001278433.2 and 4 more transcripts).
Identifiers: ClinVar variation 469065 (VCV000469065.19), dbSNP rs372389205, ClinGen allele CA8729266.